The following is an entry in ClinVar:

NM_007294.4(BRCA1):c.4450T>A (p.Ser1484Thr)

Gene: BRCA1 (BRCA1 DNA repair associated; minus strand). Cytogenetic location: 17q21.31.
Variant type: single nucleotide variant.
Coding change: c.4450T>A on transcript NM_007294.4 (MANE Select); coding-DNA position 4450, T replaced by A.
Protein change: p.Ser1484Thr; replaces serine 1484 with threonine.
Molecular consequence: missense variant. On other transcripts: non-coding transcript variant (1).
Genome position (GRCh38, 1-based): chr17:43,076,522, A>T on the plus strand (T>A on the coding strand, the complement: BRCA1 is on the minus strand). VCF-style: chr17-43076522-A-T. GRCh37 (hg19) VCF-style: chr17-41228539-A-T.
Other names: c.4303T>A, p.Ser1435Thr (NM_001407838.1, NM_001407839.1, NM_001407841.1 and 12 more transcripts); c.4324T>A, p.Ser1442Thr (NM_001407670.1, NM_001407671.1, NM_001407672.1 and 11 more transcripts); c.4447T>A, p.Ser1483Thr (NM_001407610.1, NM_001407611.1, NM_001407612.1 and 17 more transcripts); c.4444T>A, p.Ser1482Thr (NM_001407629.1, NM_001407630.1, NM_001407631.1 and 14 more transcripts); c.4390T>A, p.Ser1464Thr (NM_001407649.1); c.4450T>A, p.Ser1484Thr (NM_001407652.1, NM_001407593.1, NM_001407594.1 and 8 more transcripts); c.4372T>A, p.Ser1458Thr (NM_001407653.1, NM_001407654.1, NM_001407655.1); c.4369T>A, p.Ser1457Thr (NM_001407656.1, NM_001407657.1, NM_001407658.1); and 68 more; short protein forms S1484T, S1437T, S1505T, S380T, S1371T, S1442T, S1456T, S1457T.
Identifiers: ClinVar variation 55201 (VCV000055201.13), dbSNP rs80357404, ClinGen allele CA002855.

ClinVar aggregate classification (germline): Conflicting classifications of pathogenicity. Review status: criteria provided, conflicting classifications (1 of 4 stars). 5 submissions from 5 submitters: Uncertain significance (3); Benign (1). 1 of the submissions does not count toward it. Last evaluated 2025-12-27.

Conditions:
Hereditary cancer-predisposing syndrome. Also called: Hereditary Cancer Syndrome; Hereditary neoplastic syndrome; Neoplastic Syndromes, Hereditary; Tumor predisposition. Identifiers: Orphanet 140162, MedGen C0027672, MeSH D009386, MONDO:0015356.
Hereditary breast ovarian cancer syndrome. Also called: BRCA1- and BRCA2-Associated Hereditary Breast and Ovarian Cancer; Hereditary breast and ovarian cancer syndrome; Hereditary breast and ovarian cancer syndrome (HBOC); Breast and ovarian cancer; Hereditary breast and/or ovarian cancer syndrome; Hereditary breast and ovarian cancer. Identifiers: Orphanet 145, MedGen C0677776, MeSH D061325, MONDO:0003582. Disease mechanism: loss of function.
Familial cancer of breast. Also called: hereditary breast carcinoma; BREAST CANCER, FAMILIAL; Hereditary breast cancer. Identifiers: Orphanet 227535, MedGen C0346153, MONDO:0016419, OMIM 114480. Disease mechanism: loss of function.
Breast-ovarian cancer, familial, susceptibility to, 1 (BROVCA1). Also called: BRCA1 Hereditary Breast and Ovarian Cancer; OVARIAN CANCER, SUSCEPTIBILITY TO. Identifiers: Orphanet 145, MedGen C2676676, MONDO:0011450, OMIM 604370. Disease mechanism: loss of function.

Submissions (5):

Labcorp Genetics (formerly Invitae), Labcorp
Classification: Uncertain significance for Hereditary breast ovarian cancer syndrome. Last evaluated: 2025-12-27. Review status: criteria provided, single submitter. Criteria: Invitae Variant Classification Sherloc (09022015). Collection method: clinical testing. Allele origin: germline.
Comment: This sequence change replaces serine, which is neutral and polar, with threonine, which is neutral and polar, at codon 1484 of the BRCA1 protein (p.Ser1484Thr). This variant is not present in population databases (gnomAD no frequency). This variant has not been reported in the literature in individuals affected with BRCA1-related conditions. ClinVar contains an entry for this variant (Variation ID: 55201). Invitae Evidence Modeling of protein sequence and biophysical properties (such as structural, functional, and spatial information, amino acid conservation, physicochemical variation, residue mobility, and thermodynamic stability) indicates that this missense variant is not expected to disrupt BRCA1 protein function with a negative predictive value of 95%. Experimental studies have shown that this missense change does not substantially affect BRCA1 function (PMID: 28781887). In summary, the available evidence is currently insufficient to determine the role of this variant in disease. Therefore, it has been classified as a Variant of Uncertain Significance.

MGZ Medical Genetics Center
Classification: Benign for Familial cancer of breast. Last evaluated: 2024-02-09. Review status: criteria provided, single submitter. Criteria: CSpec BRCA1/2ACMG Rules Specifications V1.1.0. Collection method: clinical testing. Allele origin: germline. Affected: yes.
Comment: ACMG codes applied following ENIGMA VCEP rules: BP1_STR, BS3, PM2_SUP

Quest Diagnostics Nichols Institute San Juan Capistrano
Classification: Uncertain significance. Last evaluated: 2023-10-23. Review status: criteria provided, single submitter. Criteria: Quest Diagnostics criteria. Collection method: clinical testing. Allele origin: unknown.
Comment: The BRCA1 c.4450T>A (p.Ser1484Thr) variant has been reported in the published literature in an experimental study as not damaging to protein function (PMID: 28781887 (2016)), however further functional analysis is needed. To the best of our knowledge, this variant has not been reported in individuals with BRCA1-related conditions. This variant has not been reported in large, multi-ethnic general populations (Genome Aggregation Database). Analysis of this variant using bioinformatics tools for the prediction of the effect of amino acid changes on protein structure and function yielded predictions that this variant is benign. Based on the available information, we are unable to determine the clinical significance of this variant.

Ambry Genetics
Classification: Uncertain significance for Hereditary cancer-predisposing syndrome. Last evaluated: 2019-08-12. Review status: criteria provided, single submitter. Criteria: Ambry Variant Classification Scheme 2023. Collection method: clinical testing. Allele origin: germline.
Comment: The p.S1484T variant (also known as c.4450T>A), located in coding exon 12 of the BRCA1 gene, results from a T to A substitution at nucleotide position 4450. The serine at codon 1484 is replaced by threonine, an amino acid with similar properties. This amino acid position is not well conserved in available vertebrate species. In addition, this alteration is predicted to be tolerated by in silico analysis. Since supporting evidence is limited at this time, the clinical significance of this alteration remains unclear.

Breast Cancer Information Core (BIC) (BRCA1)
Classification: Uncertain significance for Breast-ovarian cancer, familial 1. Last evaluated: 1999-01-15. Review status: no assertion criteria provided. Collection method: clinical testing. Allele origin: germline. Affected: yes. Observed: 2 variant alleles. Not counted in ClinVar's aggregate classification.

Literature cited by the submitters: PubMed 28781887 (cited by Labcorp Genetics (formerly Invitae), Labcorp and Quest Diagnostics Nichols Institute San Juan Capistrano); PubMed 35665744 (cited by Quest Diagnostics Nichols Institute San Juan Capistrano); PubMed 31853058 (cited by Quest Diagnostics Nichols Institute San Juan Capistrano); PubMed 32377563 (cited by Quest Diagnostics Nichols Institute San Juan Capistrano).